The following is an entry in ClinVar:

NM_000388.4(CASR):c.2981A>C (p.His994Pro)

Gene: CASR (calcium sensing receptor; plus strand). Cytogenetic location: 3q21.1.
Variant type: single nucleotide variant.
Coding change: c.2981A>C on transcript NM_000388.4 (MANE Select); coding-DNA position 2981, A replaced by C.
Protein change: p.His994Pro; replaces histidine 994 with proline.
Molecular consequence: missense variant.
Genome position (GRCh38, 1-based): chr3:122,284,935, A>C. VCF-style: chr3-122284935-A-C. GRCh37 (hg19) VCF-style: chr3-122003782-A-C.
Other names: c.3011A>C, p.His1004Pro (NM_001178065.2); short protein forms H1004P, H994P.
Identifiers: ClinVar variation 2120183 (VCV002120183.4), dbSNP rs2473283081, ClinGen allele CA354161194.

ClinVar aggregate classification (germline): Uncertain significance (1 of 4 stars; one submission).

Conditions:
Autosomal dominant hypocalcemia 1 (HYPOC1). Also called: HYPOCALCEMIA, FAMILIAL. Identifiers: MedGen C3715128, MONDO:0011013, OMIM 601198.
Familial hypocalciuric hypercalcemia (FHH). Also called: Familial benign hypercalcemia. Identifiers: Orphanet 405, MedGen C1809471, MONDO:0018458.

Submission:

Labcorp Genetics (formerly Invitae), Labcorp
Classification: Uncertain significance for Familial hypocalciuric hypercalcemia; Autosomal dominant hypocalcemia 1. Last evaluated: 2025-07-31. Review status: criteria provided, single submitter. Criteria: Invitae Variant Classification Sherloc (09022015). Collection method: clinical testing. Allele origin: germline.
Comment: This sequence change replaces histidine, which is basic and polar, with proline, which is neutral and non-polar, at codon 994 of the CASR protein (p.His994Pro). This variant is not present in population databases (gnomAD no frequency). This variant has not been reported in the literature in individuals affected with CASR-related conditions. ClinVar contains an entry for this variant (Variation ID: 2120183). An algorithm developed to predict the effect of missense changes on protein structure and function (PolyPhen-2) suggests that this variant is likely to be tolerated. In summary, the available evidence is currently insufficient to determine the role of this variant in disease. Therefore, it has been classified as a Variant of Uncertain Significance.